The following is an entry in ClinVar:

ClinVar aggregate classification (germline): Conflicting classifications of pathogenicity. Review status: criteria provided, conflicting classifications (1 of 4 stars). 3 submissions from 3 submitters: Likely pathogenic (1); Uncertain significance (1). 1 of the submissions does not count toward it. Last evaluated 2022-01-04.

Conditions:
Progressive myoclonic epilepsy type 8. Identifiers: Orphanet 424027, MedGen C5190825, MONDO:0014545, OMIM 616230.

Allele frequency attached by ClinVar (database versions not stated): gnomAD exomes below 0.00001 and 0.00001; TOPMed below 0.00001; gnomAD 0.00001.
gnomAD v4.1: 6 of 1,568,258 alleles (0.00038%); highest among the groups gnomAD compares: African/African-American, 0.0014%; no homozygotes.

Submissions (3):

Labcorp Genetics (formerly Invitae), Labcorp
Classification: Uncertain significance for Progressive myoclonic epilepsy type 8. Last evaluated: 2022-01-04. Review status: criteria provided, single submitter. Criteria: Invitae Variant Classification Sherloc (09022015). Collection method: clinical testing. Allele origin: germline.
Comment: This sequence change replaces arginine, which is basic and polar, with cysteine, which is neutral and slightly polar, at codon 255 of the CERS1 protein (p.Arg255Cys). This variant is present in population databases (no rsID available, gnomAD 0.001%). This missense change has been observed in individual(s) with progressive myoclonic epilepsy (PMID: 30800706). ClinVar contains an entry for this variant (Variation ID: 801420). Algorithms developed to predict the effect of missense changes on protein structure and function (SIFT, PolyPhen-2, Align-GVGD) all suggest that this variant is likely to be disruptive. In summary, the available evidence is currently insufficient to determine the role of this variant in disease. Therefore, it has been classified as a Variant of Uncertain Significance.

Mendelics
Classification: Likely pathogenic for Progressive myoclonic epilepsy type 8. Last evaluated: 2019-05-28. Review status: criteria provided, single submitter. Criteria: Mendelics Assertion Criteria 2017. Collection method: clinical testing. Allele origin: unknown.

OMIM
Classification: Pathogenic for EPILEPSY, PROGRESSIVE MYOCLONIC, 8. Last evaluated: 2022-03-18. Review status: no assertion criteria provided. Collection method: literature only. Allele origin: germline. Not counted in ClinVar's aggregate classification.

Literature cited by the submitters: PubMed 30800706 (cited by Labcorp Genetics (formerly Invitae), Labcorp and OMIM).

NM_021267.5(CERS1):c.763C>T (p.Arg255Cys)

Genes: CERS1 (ceramide synthase 1; minus strand), GDF1 (growth differentiation factor 1; minus strand). Cytogenetic location: 19p13.11.
Variant type: single nucleotide variant.
Coding change: c.763C>T on transcript NM_021267.5 (MANE Select); coding-DNA position 763, C replaced by T.
Protein change: p.Arg255Cys; replaces arginine 255 with cysteine.
Molecular consequence: missense variant. On other transcripts: 5 prime UTR variant (1), intron variant (1).
Genome position (GRCh38, 1-based): chr19:18,879,378, G>A on the plus strand (C>T on the coding strand, the complement: CERS1 is on the minus strand). VCF-style: chr19-18879378-G-A. GRCh37 (hg19) VCF-style: chr19-18990187-G-A.
Other names: c.469C>T, p.Arg157Cys (NM_001290265.2, NM_001387442.1, NM_001387443.1 and 2 more transcripts); c.763C>T, p.Arg255Cys (NM_001387439.1, NM_001387440.1, NM_198207.3); c.718C>T, p.Arg240Cys (NM_001387441.1); c.-560C>T (NM_001492.6); c.-313+4709C>T (NM_001387438.1); short protein forms R157C, R255C, R240C.
Identifiers: ClinVar variation 801420 (VCV000801420.9), dbSNP rs1375601977, ClinGen allele CA404865665.